The following is an entry in ClinVar:

NM_001365951.3(KIF1B):c.888A>G (p.Lys296=)

Gene: KIF1B (kinesin family member 1B; plus strand). Cytogenetic location: 1p36.22.
Variant type: single nucleotide variant.
Coding change: c.888A>G on transcript NM_001365951.3 (MANE Select); coding-DNA position 888, A replaced by G.
Protein change: p.Lys296=; no amino-acid change (lysine 296 retained).
Molecular consequence: synonymous variant.
Genome position (GRCh38, 1-based): chr1:10,275,433, A>G. VCF-style: chr1-10275433-A-G. GRCh37 (hg19) VCF-style: chr1-10335491-A-G.
Other names: c.888A>G, p.Lys296= (NM_001365952.1); c.870A>G, p.Lys290= (NM_001365953.1, NM_015074.3, NM_183416.4).
Identifiers: ClinVar variation 4092344 (VCV004092344.1).
Genomic context (GRCh38, chr1:10,275,433, plus strand): 5'-TGGGAATTTTTTTCCCTAACGAAAAATGCTAAGACCATTTCTTTTCCTTTAATAGAGTAA[A>G]AAGAAGAAGAAAACAGATTTTATTCCCTACAGGGATTCTGTACTTACTTGGCTCCTTCGA-3'
Protein context (NP_001352880.1, residues 286-306): AEVDNCTSKS[Lys296=]KKKKTDFIPY

ClinVar aggregate classification (germline): Uncertain significance (1 of 4 stars; one submission).

gnomAD v4.1: 1 of 1,563,150 alleles (0.000064%); highest among the groups gnomAD compares: Non-Finnish European, 0.000088%; no homozygotes.

Submission:

Ambry Genetics
Classification: Uncertain significance. Last evaluated: 2025-07-28. Review status: criteria provided, single submitter. Criteria: Ambry Variant Classification Scheme 2023. Collection method: clinical testing. Allele origin: germline.
Comment: The c.870A>G variant (also known as p.K290K), located in coding exon 9 of the KIF1B gene, results from an A to G substitution at nucleotide position 870. This nucleotide substitution does not change the amino acid at codon 290. This nucleotide position is not well conserved in available vertebrate species. In silico splice site analysis for this alteration is inconclusive. The evidence for this gene-disease relationship is limited; therefore, the clinical significance of this alteration is unclear.